The following is an entry in ClinVar:

ClinVar aggregate classification (germline): Uncertain significance (1 of 4 stars; one submission).

Submission:

GeneDx
Classification: Uncertain significance. Last evaluated: 2022-02-08. Review status: criteria provided, single submitter. Criteria: GeneDx Variant Classification Process June 2021. Collection method: clinical testing. Allele origin: germline. Affected: yes.
Comment: Not observed at significant frequency in large population cohorts (gnomAD); In silico analysis supports a deleterious effect on splicing; Has not been previously published as pathogenic or benign to our knowledge

NM_001162501.2(TNRC6B):c.6-3T>A

Gene: TNRC6B (trinucleotide repeat containing adaptor 6B; plus strand). Cytogenetic location: 22q13.1.
Variant type: single nucleotide variant.
Coding change: c.6-3T>A on transcript NM_001162501.2 (MANE Select); 3 bases into the intron before coding-DNA position 6, T replaced by A.
Molecular consequence: intron variant.
Genome position (GRCh38, 1-based): chr22:40,246,012, T>A. VCF-style: chr22-40246012-T-A. GRCh37 (hg19) VCF-style: chr22-40642016-T-A.
Other names: c.114-3T>A (NM_001024843.2); c.6-3T>A (NM_015088.3).
Identifiers: ClinVar variation 1700893 (VCV001700893.2), dbSNP rs2146470993, ClinGen allele CA2580099779.